The following is an entry in ClinVar:

ClinVar aggregate classification (germline): Uncertain significance. Review status: criteria provided, multiple submitters, no conflicts (2 of 4 stars). 3 submissions from 3 submitters: Uncertain significance (3). Last evaluated 2026-01-16.

Conditions:
Familial thoracic aortic aneurysm and aortic dissection (TAAD). Also called: Thoracic aortic aneurysms and dissections. Identifiers: Orphanet 91387, MedGen C4707243, MONDO:0019625.
Congenital contractural arachnodactyly (CCA). Also called: BEALS SYNDROME; Beals-Hecht syndrome; Arthrogryposis, distal, type 9. Identifiers: Orphanet 115, MedGen C0220668, MONDO:0007363, OMIM 121050.

Allele frequency attached by ClinVar (database versions not stated): gnomAD exomes below 0.00001.
gnomAD v4.1: 4 of 1,614,196 alleles (0.00025%); highest among the groups gnomAD compares: Non-Finnish European, 0.00034%; no homozygotes.

Submissions (3):

Ambry Genetics
Classification: Uncertain significance for Familial thoracic aortic aneurysm and aortic dissection. Last evaluated: 2026-01-16. Review status: criteria provided, single submitter. Criteria: Ambry Variant Classification Scheme 2023. Collection method: clinical testing. Allele origin: germline.
Comment: The p.I1243T variant (also known as c.3728T>C), located in coding exon 29 of the FBN2 gene, results from a T to C substitution at nucleotide position 3728. The isoleucine at codon 1243 is replaced by threonine, an amino acid with similar properties, and is located in the cbEGF-like #16 domain. This amino acid position is highly conserved in available vertebrate species. In addition, this alteration is predicted to be deleterious by in silico analysis. Since supporting evidence is limited at this time, the clinical significance of this alteration remains unclear.

GeneDx
Classification: Uncertain significance. Last evaluated: 2024-12-26. Review status: criteria provided, single submitter. Criteria: GeneDx Variant Classification Process June 2021. Collection method: clinical testing. Allele origin: germline. Affected: yes.
Comment: Has not been previously published as pathogenic or benign to our knowledge; Not observed at significant frequency in large population cohorts (gnomAD); In silico analysis supports that this missense variant has a deleterious effect on protein structure/function; Although located in a calcium-binding EGF-like domain of the FBN2 gene, it does not substitute or introduce a cysteine residue (PMID: 19006240, 18767143); This variant is associated with the following publications: (PMID: 19006240, 18767143)

Labcorp Genetics (formerly Invitae), Labcorp
Classification: Uncertain significance for Congenital contractural arachnodactyly. Last evaluated: 2024-10-16. Review status: criteria provided, single submitter. Criteria: Invitae Variant Classification Sherloc (09022015). Collection method: clinical testing. Allele origin: germline.
Comment: This sequence change replaces isoleucine, which is neutral and non-polar, with threonine, which is neutral and polar, at codon 1243 of the FBN2 protein (p.Ile1243Thr). This variant is present in population databases (no rsID available, gnomAD 0.0009%). This variant has not been reported in the literature in individuals affected with FBN2-related conditions. ClinVar contains an entry for this variant (Variation ID: 458762). Invitae Evidence Modeling of protein sequence and biophysical properties (such as structural, functional, and spatial information, amino acid conservation, physicochemical variation, residue mobility, and thermodynamic stability) indicates that this missense variant is not expected to disrupt FBN2 protein function with a negative predictive value of 80%. In summary, the available evidence is currently insufficient to determine the role of this variant in disease. Therefore, it has been classified as a Variant of Uncertain Significance.

NM_001999.4(FBN2):c.3728T>C (p.Ile1243Thr)

Gene: FBN2 (fibrillin 2; minus strand). Cytogenetic location: 5q23.3.
Variant type: single nucleotide variant.
Coding change: c.3728T>C on transcript NM_001999.4 (MANE Select); coding-DNA position 3728, T replaced by C.
Protein change: p.Ile1243Thr; replaces isoleucine 1243 with threonine.
Molecular consequence: missense variant.
Genome position (GRCh38, 1-based): chr5:128,335,574, A>G on the plus strand (T>C on the coding strand, the complement: FBN2 is on the minus strand). VCF-style: chr5-128335574-A-G. GRCh37 (hg19) VCF-style: chr5-127671266-A-G.
Other names: short protein forms I1243T.
Identifiers: ClinVar variation 458762 (VCV000458762.13), dbSNP rs1306804578, ClinGen allele CA360758160.
Genomic context (GRCh38, chr5:128,335,574, plus strand): 5'-CTTCCCTCTGAATTTGTGCACTGGGTGTCACAGCCTCCGTTCATTATCATACATTCATCA[A>G]TATCTGTGAAAACAGCATTGCAACCACATTGTCAGGTCTGCTTCCTTAAAAGGAGTTTTC-3'
Protein context (NP_001990.2, residues 1233-1253): ATPDRQGCTD[Ile1243Thr]DECMIMNGGC